The following is an entry in ClinVar:

ClinVar aggregate classification (germline): Conflicting classifications of pathogenicity. Review status: criteria provided, conflicting classifications (1 of 4 stars). 6 submissions from 6 submitters: Uncertain significance (3); Likely benign (3). Last evaluated 2025-10-15.

Conditions:
Cardiovascular phenotype. Identifiers: MedGen CN230736.
Myofibrillar myopathy 6. Identifiers: Orphanet 199340, MedGen C2751831, MONDO:0013061, OMIM 612954.
Dilated cardiomyopathy 1HH (CMD1HH). Identifiers: Orphanet 154, MedGen C3151293, MONDO:0013479, OMIM 613881.

Allele frequency attached by ClinVar (database versions not stated): gnomAD 0.00001 and 0.00002; gnomAD exomes 0.00001 and 0.00002; ExAC 0.00003; TOPMed 0.00003.
gnomAD v4.1: 23 of 1,614,212 alleles (0.0014%); highest among the groups gnomAD compares: Middle Eastern, 0.033%; no homozygotes.

Submissions (6):

Labcorp Genetics (formerly Invitae), Labcorp
Classification: Uncertain significance for Dilated cardiomyopathy 1HH; Myofibrillar myopathy 6. Last evaluated: 2025-10-15. Review status: criteria provided, single submitter. Criteria: Invitae Variant Classification Sherloc (09022015). Collection method: clinical testing. Allele origin: germline.
Comment: This sequence change replaces valine, which is neutral and non-polar, with isoleucine, which is neutral and non-polar, at codon 113 of the BAG3 protein (p.Val113Ile). This variant is present in population databases (rs781093275, gnomAD 0.004%). This variant has not been reported in the literature in individuals affected with BAG3-related conditions. ClinVar contains an entry for this variant (Variation ID: 410241). Invitae Evidence Modeling of protein sequence and biophysical properties (such as structural, functional, and spatial information, amino acid conservation, physicochemical variation, residue mobility, and thermodynamic stability) indicates that this missense variant is not expected to disrupt BAG3 protein function with a negative predictive value of 80%. In summary, the available evidence is currently insufficient to determine the role of this variant in disease. Therefore, it has been classified as a Variant of Uncertain Significance.

Molecular Diagnostic Laboratory for Inherited Cardiovascular Disease, Montreal Heart Institute
Classification: Likely benign. Last evaluated: 2025-04-09. Review status: criteria provided, single submitter. Criteria: ACMG Guidelines, 2015. Collection method: clinical testing. Allele origin: germline. Affected: no.
Comment: BS1, BP4

Ambry Genetics
Classification: Likely benign for Cardiovascular phenotype. Last evaluated: 2024-11-15. Review status: criteria provided, single submitter. Criteria: Ambry Variant Classification Scheme 2023. Collection method: clinical testing. Allele origin: germline.

Blueprint Genetics
Classification: Likely benign. Last evaluated: 2023-11-21. Review status: criteria provided, single submitter. Criteria: ACMG Guidelines, 2015. Collection method: clinical testing. Allele origin: germline.

Victorian Clinical Genetics Services, Murdoch Childrens Research Institute
Classification: Uncertain significance for Dilated cardiomyopathy 1HH. Last evaluated: 2022-09-02. Review status: criteria provided, single submitter. Criteria: ACMG Guidelines, 2015. Collection method: clinical testing. Allele origin: germline. Inheritance: Autosomal dominant inheritance. Affected: yes.
Comment: Based on the classification scheme VCGS_Germline_v1.3.4, this variant is classified as VUS-3C. Following criteria are met: 0103 - Loss of function and gain of function are known mechanisms of disease in this gene and are associated with dilated cardiomyopathy 1HH (MIM#613881) and myofibrillar myopathy 6 (MIM#612954) (PMIDs: 30442290, 30559338). (I) 0107 - This gene is associated with autosomal dominant disease. (I) 0200 - Variant is predicted to result in a missense amino acid change from valine to isoleucine. (I) 0251 - This variant is heterozygous. (I) 0302 - Variant is present in gnomAD <0.001 for a dominant condition (v2 and v3: 10 heterozygotes, 0 homozygotes). (SP) 0309 - An alternative amino acid change at the same position has been observed in gnomAD (v2 and v3: 1 heterozygote, 0 homozygotes). (I) 0503 - Missense variant consistently predicted to be tolerated by multiple in silico tools or not conserved in placental mammals with a minor amino acid change. (SB) 0604 - Variant is not located in an established domain, motif, hotspot or informative constraint region. (I) 0705 - No comparable missense variants have previous evidence for pathogenicity. (I) 0809 - Previous evidence of pathogenicity for this variant is inconclusive. It has been reported as a VUS by a clinical testing laboratory (ClinVar). (I) 0905 - No published segregation evidence has been identified for this variant. (I) 1007 - No published functional evidence has been identified for this variant. (I) 1208 - Inheritance information for this variant is not currently available in this individual. (I) Legend: (SP) - Supporting pathogenic, (I) - Information, (SB) - Supporting benign

Fulgent Genetics
Classification: Uncertain significance for Myofibrillar myopathy 6; Dilated cardiomyopathy 1HH. Last evaluated: 2021-10-18. Review status: criteria provided, single submitter. Criteria: ACMG Guidelines, 2015. Collection method: clinical testing. Allele origin: unknown.

Literature cited by the submitters: PubMed 30442290 (cited by Victorian Clinical Genetics Services, Murdoch Childrens Research Institute); PubMed 30559338 (cited by Victorian Clinical Genetics Services, Murdoch Childrens Research Institute).

NM_004281.4(BAG3):c.337G>A (p.Val113Ile)

Gene: BAG3 (BAG cochaperone 3; plus strand). Cytogenetic location: 10q26.11.
Variant type: single nucleotide variant.
Coding change: c.337G>A on transcript NM_004281.4 (MANE Select); coding-DNA position 337, G replaced by A.
Protein change: p.Val113Ile; replaces valine 113 with isoleucine.
Molecular consequence: missense variant.
Genome position (GRCh38, 1-based): chr10:119,670,007, G>A. VCF-style: chr10-119670007-G-A. GRCh37 (hg19) VCF-style: chr10-121429519-G-A.
Other names: short protein forms V113I.
Identifiers: ClinVar variation 410241 (VCV000410241.14), dbSNP rs781093275, ClinGen allele CA5716300.